The following is an entry in ClinVar:

NC_000009.11:g.(?_382493)_(732637_?)dup

Genes: DOCK8 (dedicator of cytokinesis 8; plus strand), KANK1 (KN motif and ankyrin repeat domains 1; plus strand). Cytogenetic location: 9p24.3.
Variant type: Duplication.
Identifiers: ClinVar variation 2427716 (VCV002427716.8).

ClinVar aggregate classification (germline): Uncertain significance (1 of 4 stars; one submission).

Conditions:
Hyper-IgE recurrent infection syndrome 3, autosomal recessive. Also called: Autosomal recessive hyper-IgE syndrome due to ZNF341 deficiency; HYPER-IgE SYNDROME 3, AUTOSOMAL RECESSIVE, WITH RECURRENT INFECTIONS. Identifiers: Orphanet 641368, MedGen C4748969, MONDO:0032654, OMIM 618282.

Submission:

Labcorp Genetics (formerly Invitae), Labcorp
Classification: Uncertain significance for Combined immunodeficiency due to DOCK8 deficiency. Last evaluated: 2022-08-12. Review status: criteria provided, single submitter. Criteria: Invitae Variant Classification Sherloc (09022015). Collection method: clinical testing. Allele origin: germline.
Comment: In summary, the available evidence is currently insufficient to determine the role of this variant in disease. Therefore, it has been classified as a Variant of Uncertain Significance. This variant has not been reported in the literature in individuals affected with DOCK8-related conditions. This variant results in a copy number gain of the genomic region encompassing exon(s) 22-48 of the DOCK8 gene. This region includes the termination codon of the gene. This copy number gain extends beyond the assayed region for this gene and therefore may encompass additional genes. As the precise location of this event is unknown, it may be in tandem or it may be located elsewhere in the genome.